The following is an entry in ClinVar:

NM_006178.4(NSF):c.1628-11T>C

Genes: LRRC37A2 (leucine rich repeat containing 37 member A2), NSF (N-ethylmaleimide sensitive factor, vesicle fusing ATPase; plus strand). Cytogenetic location: 17q21.31.
Variant type: single nucleotide variant.
Coding change: c.1628-11T>C on transcript NM_006178.4 (MANE Select); 11 bases into the intron before coding-DNA position 1628, T replaced by C.
Molecular consequence: intron variant.
Genome position (GRCh38, 1-based): chr17:46,713,842, T>C. VCF-style: chr17-46713842-T-C. GRCh37 (hg19) VCF-style: chr17-44791208-T-C.
Identifiers: ClinVar variation 3769879 (VCV003769879.1).
Genomic context (GRCh38, chr17:46,713,842, plus strand): 5'-GTTTAAACTTGTTTTATTTCCCTTTGCTTAGGTTGGCTTTTTTCCCCTGACTTGCTCATA[T>C]CTTTATGCAGGCCCTCCTCACAGTGGGAAGACTGCTTTAGCTGCAAAAATTGCAGAGGAA-3'

ClinVar aggregate classification (germline): Uncertain significance (1 of 4 stars; one submission).

gnomAD v4.1: 1 of 1,608,022 alleles (0.000062%); highest among the groups gnomAD compares: Non-Finnish European, 0.000085%; no homozygotes.

Submission:

GeneDx
Classification: Uncertain significance. Last evaluated: 2023-10-17. Review status: criteria provided, single submitter. Criteria: GeneDx Variant Classification Process June 2021. Collection method: clinical testing. Allele origin: germline. Affected: yes.
Comment: Not observed at significant frequency in large population cohorts (gnomAD); Has not been previously published as pathogenic or benign to our knowledge; Variants in candidate genes are classified as variants of uncertain significance in accordance with ACMG guidelines (Richards et al., 2015); In silico analysis suggests this variant may impact gene splicing. In the absence of RNA/functional studies, the actual effect of this sequence change is unknown.